The following is an entry in ClinVar:

NM_001385125.1(OPN1SW):c.10G>A (p.Glu4Lys)

Gene: OPN1SW (opsin 1, short wave sensitive; minus strand). Cytogenetic location: 7q32.1.
Variant type: single nucleotide variant.
Coding change: c.10G>A on transcript NM_001385125.1 (MANE Select); coding-DNA position 10, G replaced by A.
Protein change: p.Glu4Lys; replaces glutamic acid 4 with lysine.
Molecular consequence: missense variant.
Genome position (GRCh38, 1-based): chr7:128,775,772, C>T on the plus strand (G>A on the coding strand, the complement: OPN1SW is on the minus strand). VCF-style: chr7-128775772-C-T. GRCh37 (hg19) VCF-style: chr7-128415826-C-T.
Other names: short protein forms E4K.
Identifiers: ClinVar variation 999308 (VCV000999308.8), dbSNP rs745647247, ClinGen allele CA4473076.

ClinVar aggregate classification (germline): Uncertain significance (1 of 4 stars; one submission).

Allele frequency attached by ClinVar (database versions not stated): ExAC 0.00001; gnomAD 0.00001; gnomAD exomes 0.00001; TOPMed 0.00002.
gnomAD v4.1: 9 of 1,613,998 alleles (0.00056%); highest among the groups gnomAD compares: Non-Finnish European, 0.00076%; no homozygotes.

Submission:

Labcorp Genetics (formerly Invitae), Labcorp
Classification: Uncertain significance. Last evaluated: 2023-07-21. Review status: criteria provided, single submitter. Criteria: Invitae Variant Classification Sherloc (09022015). Collection method: clinical testing. Allele origin: germline.
Comment: In summary, the available evidence is currently insufficient to determine the role of this variant in disease. Therefore, it has been classified as a Variant of Uncertain Significance. This sequence change replaces glutamic acid, which is acidic and polar, with lysine, which is basic and polar, at codon 7 of the OPN1SW protein (p.Glu7Lys). This variant is present in population databases (rs745647247, gnomAD 0.0009%). This variant has not been reported in the literature in individuals affected with OPN1SW-related conditions. ClinVar contains an entry for this variant (Variation ID: 999308). An algorithm developed to predict the effect of missense changes on protein structure and function (PolyPhen-2) suggests that this variant is likely to be disruptive.